The following is an entry in ClinVar:

ClinVar aggregate classification (germline): Uncertain significance (1 of 4 stars; one submission).

gnomAD v4.1: 3 of 1,612,552 alleles (0.00019%); highest among the groups gnomAD compares: Non-Finnish European, 0.00025%; no homozygotes.

Submission:

Labcorp Genetics (formerly Invitae), Labcorp
Classification: Uncertain significance. Last evaluated: 2024-08-21. Review status: criteria provided, single submitter. Criteria: Invitae Variant Classification Sherloc (09022015). Collection method: clinical testing. Allele origin: germline.
Comment: This sequence change replaces glutamine, which is neutral and polar, with histidine, which is basic and polar, at codon 316 of the CEP152 protein (p.Gln316His). This variant is present in population databases (rs753968440, gnomAD 0.002%). This variant has not been reported in the literature in individuals affected with CEP152-related conditions. Invitae Evidence Modeling of protein sequence and biophysical properties (such as structural, functional, and spatial information, amino acid conservation, physicochemical variation, residue mobility, and thermodynamic stability) indicates that this missense variant is not expected to disrupt CEP152 protein function with a negative predictive value of 80%. In summary, the available evidence is currently insufficient to determine the role of this variant in disease. Therefore, it has been classified as a Variant of Uncertain Significance.

NM_001194998.2(CEP152):c.948A>C (p.Gln316His)

Gene: CEP152 (centrosomal protein 152; minus strand). Cytogenetic location: 15q21.1.
Variant type: single nucleotide variant.
Coding change: c.948A>C on transcript NM_001194998.2 (MANE Select); coding-DNA position 948, A replaced by C.
Protein change: p.Gln316His; replaces glutamine 316 with histidine.
Molecular consequence: missense variant.
Genome position (GRCh38, 1-based): chr15:48,791,261, T>G on the plus strand (A>C on the coding strand, the complement: CEP152 is on the minus strand). VCF-style: chr15-48791261-T-G. GRCh37 (hg19) VCF-style: chr15-49083458-T-G.
Other names: c.948A>C, p.Gln316His (NM_014985.4); short protein forms Q316H.
Identifiers: ClinVar variation 3690974 (VCV003690974.2).